The following is an entry in ClinVar:

ClinVar aggregate classification (germline): Likely benign (0 of 4 stars; one submission).

Conditions:
CACNA1S-related disorder. Also called: CACNA1S-related condition.

Allele frequency attached by ClinVar (database versions not stated): gnomAD exomes below 0.00001; ExAC 0.00001.
gnomAD v4.1: 4 of 1,614,118 alleles (0.00025%); highest among the groups gnomAD compares: African/African-American, 0.0013%; no homozygotes.

Submission:

PreventionGenetics, part of Exact Sciences
Classification: Likely benign for CACNA1S-related condition. Last evaluated: 2021-01-11. Review status: no assertion criteria provided. Collection method: clinical testing. Allele origin: germline.
Comment: This variant is classified as likely benign based on ACMG/AMP sequence variant interpretation guidelines (Richards et al. 2015 PMID: 25741868, with internal and published modifications).

NM_000069.3(CACNA1S):c.726A>G (p.Pro242=)

Gene: CACNA1S (calcium voltage-gated channel subunit alpha1 S; minus strand). Cytogenetic location: 1q32.1.
Variant type: single nucleotide variant.
Coding change: c.726A>G on transcript NM_000069.3 (MANE Select); coding-DNA position 726, A replaced by G.
Protein change: p.Pro242=; no amino-acid change (proline 242 retained).
Molecular consequence: synonymous variant.
Genome position (GRCh38, 1-based): chr1:201,089,432, T>C on the plus strand (A>G on the coding strand, the complement: CACNA1S is on the minus strand). VCF-style: chr1-201089432-T-C. GRCh37 (hg19) VCF-style: chr1-201058560-T-C.
Identifiers: ClinVar variation 3031328 (VCV003031328.2), dbSNP rs761324521, ClinGen allele CA083976.
Genomic context (GRCh38, chr1:201,089,432, plus strand): 5'-CCGGCACTCACTGCCATTGATGGTGCACCGGCGCCCTGAGCCCGTCCTGGCGCAGGGCGA[T>C]GGCTCTTCATTCTCCACCGTGGCCACGATATCTGGAGGCAGAAGGCAAAGGGAACATCAG-3'
Protein context (NP_000060.2, residues 232-252): DIVATVENEE[Pro242=]SPCARTGSGR